The following is an entry in ClinVar:

NM_001367624.2(ZNF469):c.142G>T (p.Ala48Ser)

Gene: ZNF469 (zinc finger protein 469; plus strand). Cytogenetic location: 16q24.2.
Variant type: single nucleotide variant.
Coding change: c.142G>T on transcript NM_001367624.2 (MANE Select); coding-DNA position 142, G replaced by T.
Protein change: p.Ala48Ser; replaces alanine 48 with serine.
Molecular consequence: missense variant.
Genome position (GRCh38, 1-based): chr16:88,427,612, G>T. VCF-style: chr16-88427612-G-T. GRCh37 (hg19) VCF-style: chr16-88494020-G-T.
Other names: NM_001127464.1:c.142G>T; short protein forms A48S.
Identifiers: ClinVar variation 3476193 (VCV003476193.1).

ClinVar aggregate classification (germline): Uncertain significance (1 of 4 stars; one submission).

Conditions:
Cardiovascular phenotype. Identifiers: MedGen CN230736.

gnomAD v4.1: 16 of 1,537,336 alleles (0.001%); highest among the groups gnomAD compares: Admixed American, 0.002%; no homozygotes.

Submission:

Ambry Genetics
Classification: Uncertain significance for Cardiovascular phenotype. Last evaluated: 2024-08-23. Review status: criteria provided, single submitter. Criteria: Ambry Variant Classification Scheme 2023. Collection method: clinical testing. Allele origin: germline.
Comment: The p.A48S variant (also known as c.142G>T), located in coding exon 1 of the ZNF469 gene, results from a G to T substitution at nucleotide position 142. The alanine at codon 48 is replaced by serine, an amino acid with similar properties. This amino acid position is conserved. In addition, this alteration is predicted to be tolerated by in silico analysis. Based on the available evidence, the clinical significance of this variant remains unclear.